The following is an entry in ClinVar:

ClinVar aggregate classification (germline): Uncertain significance (1 of 4 stars; one submission).

Submission:

Labcorp Genetics (formerly Invitae), Labcorp
Classification: Uncertain significance. Last evaluated: 2023-09-06. Review status: criteria provided, single submitter. Criteria: Invitae Variant Classification Sherloc (09022015). Collection method: clinical testing. Allele origin: germline.
Comment: In summary, the available evidence is currently insufficient to determine the role of this variant in disease. Therefore, it has been classified as a Variant of Uncertain Significance. This variant has not been reported in the literature in individuals affected with SAMD9L-related conditions. This variant is not present in population databases (gnomAD no frequency). This sequence change creates a premature translational stop signal (p.Ser1486Tyrfs*12) in the SAMD9L gene. While this is not anticipated to result in nonsense mediated decay, it is expected to disrupt the last 99 amino acid(s) of the SAMD9L protein.

NM_152703.5(SAMD9L):c.4456_4457del (p.Ser1486fs)

Gene: SAMD9L (sterile alpha motif domain containing 9 like; minus strand). Cytogenetic location: 7q21.2.
Variant type: Deletion.
Coding change: c.4456_4457del on transcript NM_152703.5 (MANE Select); coding-DNA positions 4456 to 4457, 2 bases deleted (AG; older notation c.4456_4457delAG).
Protein change: p.Ser1486fs; shifts the reading frame from serine 1486.
Molecular consequence: frameshift variant.
Genome position (GRCh38, 1-based): chr7:93,131,515-93,131,516, CT deleted on the plus strand (AG on the coding strand, the reverse complement: SAMD9L is on the minus strand). VCF-style (leftmost placement, unchanged base first): chr7-93131514-ACT-A. GRCh37 (hg19) VCF-style: chr7-92760827-ACT-A.
Other names: c.4456_4457del, p.Ser1486fs (NM_001303496.3, NM_001303497.3, NM_001303498.3 and 5 more transcripts); short protein forms S1486fs.
Identifiers: ClinVar variation 2758628 (VCV002758628.3), dbSNP rs2535402616, ClinGen allele CA2697557411.
Genomic context (GRCh38, chr7:93,131,514, plus strand): 5'-GAGGGAATTTGTATTTTGTGCTTTATCAAAGTACTGCTCTATTTTGGCCTTGTGAACAAT[ACT>A]GTTTAGACCCTTCCTTTTGCCCAGATAGAAAAGTGTGCTTGCCTGCTTGGACCTGCACAT-3'